The following is an entry in ClinVar:

ClinVar aggregate classification (germline): Uncertain significance. Review status: criteria provided, multiple submitters, no conflicts (2 of 4 stars). 2 submissions from 2 submitters: Uncertain significance (2). Last evaluated 2025-11-10.

Conditions:
Cardiovascular phenotype. Identifiers: MedGen CN230736.
Hypertrophic cardiomyopathy 14. Identifiers: MedGen C2750467, MONDO:0013197, OMIM 613251.

Allele frequency attached by ClinVar (database versions not stated): gnomAD exomes below 0.00001; gnomAD 0.00003; TOPMed 0.00004; ESP Exome Variant Server 0.00008.
gnomAD v4.1: 6 of 1,614,056 alleles (0.00037%); highest among the groups gnomAD compares: African/African-American, 0.008%; no homozygotes.

Submissions (2):

Ambry Genetics
Classification: Uncertain significance for Cardiovascular phenotype. Last evaluated: 2025-11-10. Review status: criteria provided, single submitter. Criteria: Ambry Variant Classification Scheme 2023. Collection method: clinical testing. Allele origin: germline.
Comment: The p.S156C variant (also known as c.467C>G), located in coding exon 3 of the MYH6 gene, results from a C to G substitution at nucleotide position 467. The serine at codon 156 is replaced by cysteine, an amino acid with dissimilar properties. This amino acid position is highly conserved in available vertebrate species. In addition, this alteration is predicted to be deleterious by in silico analysis. Since supporting evidence is limited at this time, the clinical significance of this alteration remains unclear.

Labcorp Genetics (formerly Invitae), Labcorp
Classification: Uncertain significance for Hypertrophic cardiomyopathy 14. Last evaluated: 2025-05-12. Review status: criteria provided, single submitter. Criteria: Invitae Variant Classification Sherloc (09022015). Collection method: clinical testing. Allele origin: germline.
Comment: This sequence change replaces serine, which is neutral and polar, with cysteine, which is neutral and slightly polar, at codon 156 of the MYH6 protein (p.Ser156Cys). This variant is present in population databases (rs372298082, gnomAD 0.01%). This variant has not been reported in the literature in individuals affected with MYH6-related conditions. ClinVar contains an entry for this variant (Variation ID: 519193). Invitae Evidence Modeling of protein sequence and biophysical properties (such as structural, functional, and spatial information, amino acid conservation, physicochemical variation, residue mobility, and thermodynamic stability) indicates that this missense variant is expected to disrupt MYH6 protein function with a positive predictive value of 80%. In summary, the available evidence is currently insufficient to determine the role of this variant in disease. Therefore, it has been classified as a Variant of Uncertain Significance.

NM_002471.4(MYH6):c.467C>G (p.Ser156Cys)

Genes: MYH6 (myosin heavy chain 6; minus strand), LOC114827851 (VISTA enhancer hs2155; plus strand). Cytogenetic location: 14q11.2.
Variant type: single nucleotide variant.
Coding change: c.467C>G on transcript NM_002471.4 (MANE Select); coding-DNA position 467, C replaced by G.
Protein change: p.Ser156Cys; replaces serine 156 with cysteine.
Molecular consequence: missense variant.
Genome position (GRCh38, 1-based): chr14:23,405,258, G>C on the plus strand (C>G on the coding strand, the complement: MYH6 is on the minus strand). VCF-style: chr14-23405258-G-C. GRCh37 (hg19) VCF-style: chr14-23874467-G-C.
Other names: short protein forms S156C.
Identifiers: ClinVar variation 519193 (VCV000519193.8), dbSNP rs372298082, ClinGen allele CA257798660.